The following is an entry in ClinVar:

ClinVar aggregate classification (germline): Benign. Review status: criteria provided, multiple submitters, no conflicts (2 of 4 stars). 2 submissions from 2 submitters: Benign (2). Last evaluated 2018-01-13.

Conditions:
Episodic ataxia type 5. Identifiers: Orphanet 211067, MedGen C1866039, MONDO:0013464, OMIM 613855.

Allele frequency attached by ClinVar (database versions not stated): 1000 Genomes Project 30x 0.03810; 1000 Genomes Project 0.03914; TOPMed 0.04273; gnomAD 0.04885 and 0.04946; gnomAD exomes 0.07710.
gnomAD v4.1: 7,585 of 152,624 alleles (5%); highest among the groups gnomAD compares: South Asian, 7.4%; 256 homozygotes.

Submissions (14):

Illumina Laboratory Services, Illumina
Classification: Benign for Episodic ataxia type 5. Last evaluated: 2018-01-13. Review status: criteria provided, single submitter. Criteria: ICSL Variant Classification Criteria 13 December 2019. Collection method: clinical testing. Allele origin: germline.
Comment: This variant was observed in the ICSL laboratory as part of a predisposition screen in an ostensibly healthy population. It had not been previously curated by ICSL or reported in the Human Gene Mutation Database (HGMD: prior to June 1st, 2018), and was therefore a candidate for classification through an automated scoring system. Utilizing variant allele frequency, disease prevalence and penetrance estimates, and inheritance mode, an automated score was calculated to assess if this variant is too frequent to cause the disease. Based on the score and internal cut-off values, a variant classified as benign is not then subjected to further curation. The score for this variant resulted in a classification of benign for this disease.

Breakthrough Genomics
Classification: Benign. Review status: criteria provided, single submitter. Criteria: ACMG Guidelines, 2015. Collection method: not provided. Allele origin: germline. Inheritance: Autosomal dominant inheritance. Affected: yes.

Dr. Peter K. Rogan Lab, Western University
No classification provided (evidence only). Condition: Cervical cancer. Review status: no classification provided. Collection method: in vitro. Allele origin: not applicable. Functional consequence: retained intron. Not counted in ClinVar's aggregate classification.

Dr. Peter K. Rogan Lab, Western University
No classification provided (evidence only). Condition: Cervical cancer. Review status: no classification provided. Collection method: in vitro. Allele origin: not applicable. Functional consequence: retained intron. Not counted in ClinVar's aggregate classification.

Dr. Peter K. Rogan Lab, Western University
No classification provided (evidence only). Condition: Cervical cancer. Review status: no classification provided. Collection method: in vitro. Allele origin: not applicable. Functional consequence: retained intron. Not counted in ClinVar's aggregate classification.

Dr. Peter K. Rogan Lab, Western University
No classification provided (evidence only). Condition: Thymoma. Review status: no classification provided. Collection method: in vitro. Allele origin: not applicable. Functional consequence: retained intron. Not counted in ClinVar's aggregate classification.

Dr. Peter K. Rogan Lab, Western University
No classification provided (evidence only). Condition: Thymoma. Review status: no classification provided. Collection method: in vitro. Allele origin: not applicable. Functional consequence: retained intron. Not counted in ClinVar's aggregate classification.

Dr. Peter K. Rogan Lab, Western University
No classification provided (evidence only). Condition: Chronic lymphocytic leukemia/small lymphocytic lymphoma. Review status: no classification provided. Collection method: in vitro. Allele origin: not applicable. Functional consequence: retained intron. Not counted in ClinVar's aggregate classification.

Dr. Peter K. Rogan Lab, Western University
No classification provided (evidence only). Condition: Nonpapillary renal cell carcinoma. Review status: no classification provided. Collection method: in vitro. Allele origin: not applicable. Functional consequence: retained intron. Not counted in ClinVar's aggregate classification.

Dr. Peter K. Rogan Lab, Western University
No classification provided (evidence only). Condition: Nonpapillary renal cell carcinoma. Review status: no classification provided. Collection method: in vitro. Allele origin: not applicable. Functional consequence: retained intron. Not counted in ClinVar's aggregate classification.

Dr. Peter K. Rogan Lab, Western University
No classification provided (evidence only). Condition: Familial pancreatic carcinoma. Review status: no classification provided. Collection method: in vitro. Allele origin: not applicable. Functional consequence: retained intron. Not counted in ClinVar's aggregate classification.

Dr. Peter K. Rogan Lab, Western University
No classification provided (evidence only). Condition: Hepatocellular carcinoma. Review status: no classification provided. Collection method: in vitro. Allele origin: not applicable. Functional consequence: retained intron. Not counted in ClinVar's aggregate classification.

Dr. Peter K. Rogan Lab, Western University
No classification provided (evidence only). Condition: Hepatocellular carcinoma. Review status: no classification provided. Collection method: in vitro. Allele origin: not applicable. Functional consequence: retained intron. Not counted in ClinVar's aggregate classification.

Dr. Peter K. Rogan Lab, Western University
No classification provided (evidence only). Condition: Ovarian cancer. Review status: no classification provided. Collection method: in vitro. Allele origin: not applicable. Functional consequence: retained intron. Not counted in ClinVar's aggregate classification.

NM_000726.5(CACNB4):c.*890G>C

Gene: CACNB4 (calcium voltage-gated channel auxiliary subunit beta 4; minus strand). Cytogenetic location: 2q23.3.
Variant type: single nucleotide variant.
Coding change: c.*890G>C on transcript NM_000726.5 (MANE Select); 890 bases downstream of the stop codon, G replaced by C.
Molecular consequence: 3 prime UTR variant.
Genome position (GRCh38, 1-based): chr2:151,838,229, C>G on the plus strand (G>C on the coding strand, the complement: CACNB4 is on the minus strand). VCF-style: chr2-151838229-C-G. GRCh37 (hg19) VCF-style: chr2-152694743-C-G.
Other names: NC_000002.11:g.152694743C>G; c.*890G>C (NM_001005746.4, NM_001005747.4, NM_001145798.3 and 7 more transcripts).
Identifiers: ClinVar variation 331614 (VCV000331614.8), dbSNP rs78697588, ClinGen allele CA10612327.
Genomic context (GRCh38, chr2:151,838,229, plus strand): 5'-AGGATTGGTACCACATCCTTACTATCTGACTTCAGATTCCTGGATGTATGTAGTTGTGCT[C>G]AGATTGATTAAAGGGAGAACAACACCCCATTTTATATTTCACATAACCAGCTATGCTTGG-3'